The following is an entry in ClinVar:

NM_007294.4(BRCA1):c.1138C>T (p.Gln380Ter)

Gene: BRCA1 (BRCA1 DNA repair associated; minus strand). Cytogenetic location: 17q21.31.
Variant type: single nucleotide variant.
Coding change: c.1138C>T on transcript NM_007294.4 (MANE Select); coding-DNA position 1138, C replaced by T.
Protein change: p.Gln380Ter; replaces glutamine 380 with a stop codon.
Molecular consequence: nonsense. On other transcripts: intron variant (137).
Genome position (GRCh38, 1-based): chr17:43,094,393, G>A on the plus strand (C>T on the coding strand, the complement: BRCA1 is on the minus strand). VCF-style: chr17-43094393-G-A. GRCh37 (hg19) VCF-style: chr17-41246410-G-A.
Other names: c.1138C>T, p.Gln380Ter (NM_001407621.1, NM_001407622.1, NM_001407623.1 and 30 more transcripts); c.1135C>T, p.Gln379Ter (NM_001407627.1, NM_001407628.1, NM_001407629.1 and 22 more transcripts); c.1129C>T, p.Gln377Ter (NM_001407646.1, NM_001407647.1); c.1015C>T, p.Gln339Ter (NM_001407648.1, NM_001407664.1, NM_001407665.1 and 19 more transcripts); c.1012C>T, p.Gln338Ter (NM_001407649.1, NM_001407670.1, NM_001407671.1 and 11 more transcripts); c.1060C>T, p.Gln354Ter (NM_001407653.1, NM_001407654.1, NM_001407655.1 and 4 more transcripts); c.1057C>T, p.Gln353Ter (NM_001407659.1, NM_001407660.1, NM_001407661.1 and 1 more transcripts); c.997C>T, p.Gln333Ter (NM_001407692.1, NM_001407694.1, NM_001407695.1 and 29 more transcripts); and 40 more; short protein forms Q380*, Q333*, Q312*, Q313*, Q379*, Q212*, Q268*, Q309*.
Identifiers: ClinVar variation 54144 (VCV000054144.21), dbSNP rs397508840, ClinGen allele CA000759.

ClinVar aggregate classification (germline): Pathogenic. Review status: reviewed by expert panel (3 of 4 stars). 7 submissions from 7 submitters: Pathogenic (1). 6 of the submissions do not count toward it. Last evaluated 2016-09-08.

Conditions:
Hereditary cancer-predisposing syndrome. Also called: Tumor predisposition; Neoplastic Syndromes, Hereditary; Hereditary Cancer Syndrome; Hereditary neoplastic syndrome. Identifiers: Orphanet 140162, MedGen C0027672, MeSH D009386, MONDO:0015356.
Hereditary breast ovarian cancer syndrome. Also called: Hereditary breast and ovarian cancer syndrome (HBOC); Hereditary breast and ovarian cancer syndrome; Hereditary breast and ovarian cancer; Hereditary breast and/or ovarian cancer syndrome; Breast and ovarian cancer; BRCA1- and BRCA2-Associated Hereditary Breast and Ovarian Cancer. Identifiers: Orphanet 145, MedGen C0677776, MeSH D061325, MONDO:0003582. Disease mechanism: loss of function.
Breast-ovarian cancer, familial, susceptibility to, 1 (BROVCA1). Also called: OVARIAN CANCER, SUSCEPTIBILITY TO; BRCA1 Hereditary Breast and Ovarian Cancer. Identifiers: Orphanet 145, MedGen C2676676, MONDO:0011450, OMIM 604370. Disease mechanism: loss of function.

Submissions (7):

Evidence-based Network for the Interpretation of Germline Mutant Alleles (ENIGMA)
Classification: Pathogenic for Breast-ovarian cancer, familial, susceptibility to, 1. Last evaluated: 2016-09-08. Review status: reviewed by expert panel. Criteria: ENIGMA BRCA1/2 Classification Criteria (2015). Collection method: curation. Allele origin: germline.
Comment: Variant allele predicted to encode a truncated non-functional protein.

GeneDx
Classification: Pathogenic. Last evaluated: 2025-03-31. Review status: criteria provided, single submitter. Criteria: GeneDx Variant Classification Process June 2021. Collection method: clinical testing. Allele origin: germline. Affected: yes. Not counted in ClinVar's aggregate classification.
Comment: Nonsense variant predicted to result in protein truncation or nonsense mediated decay in a gene for which loss of function is a known mechanism of disease; Not observed at significant frequency in large population cohorts (gnomAD); Truncating variants in this gene are considered pathogenic by a well-established clinical consortium and/or database; Also known as 1257C>T; This variant is associated with the following publications: (PMID: 25525159, 16683254, 36367610, 29446198)

Labcorp Genetics (formerly Invitae), Labcorp
Classification: Pathogenic for Hereditary breast ovarian cancer syndrome. Last evaluated: 2024-09-09. Review status: criteria provided, single submitter. Criteria: Invitae Variant Classification Sherloc (09022015). Collection method: clinical testing. Allele origin: germline. Not counted in ClinVar's aggregate classification.
Comment: This sequence change creates a premature translational stop signal (p.Gln380*) in the BRCA1 gene. It is expected to result in an absent or disrupted protein product. Loss-of-function variants in BRCA1 are known to be pathogenic (PMID: 20104584). This variant is not present in population databases (gnomAD no frequency). This premature translational stop signal has been observed in individual(s) with personal and/or family history of breast and/or ovarian cancer (PMID: 16683254). ClinVar contains an entry for this variant (Variation ID: 54144). For these reasons, this variant has been classified as Pathogenic.

Ambry Genetics
Classification: Pathogenic for Hereditary cancer-predisposing syndrome. Last evaluated: 2024-01-31. Review status: criteria provided, single submitter. Criteria: Ambry Variant Classification Scheme 2023. Collection method: clinical testing. Allele origin: germline. Not counted in ClinVar's aggregate classification.
Comment: The p.Q380* pathogenic mutation (also known as c.1138C>T), located in coding exon 9 of the BRCA1 gene, results from a C to T substitution at nucleotide position 1138. This changes the amino acid from a glutamine to a stop codon within coding exon 9. This variant is considered to be rare based on population cohorts in the Genome Aggregation Database (gnomAD). This alteration is expected to result in loss of function by premature protein truncation or nonsense-mediated mRNA decay. As such, this alteration is interpreted as a disease-causing mutation.

Consortium of Investigators of Modifiers of BRCA1/2 (CIMBA), c/o University of Cambridge
Classification: Pathogenic for Breast-ovarian cancer, familial, susceptibility to, 1. Last evaluated: 2015-10-02. Review status: criteria provided, single submitter. Criteria: CIMBA Mutation Classification guidelines May 2016. Collection method: clinical testing. Allele origin: germline. Not counted in ClinVar's aggregate classification.

Diagnostic Laboratory, Department of Genetics, University Medical Center Groningen
Classification: Pathogenic. Review status: no assertion criteria provided. Collection method: clinical testing. Allele origin: germline. Affected: yes. Study: VKGL Data-share Consensus. Not counted in ClinVar's aggregate classification.

Joint Genome Diagnostic Labs from Nijmegen and Maastricht, Radboudumc and MUMC+
Classification: Pathogenic. Review status: no assertion criteria provided. Collection method: clinical testing. Allele origin: germline. Affected: yes. Study: VKGL Data-share Consensus. Not counted in ClinVar's aggregate classification.

Literature cited by the submitters: PubMed 20104584 (cited by Labcorp Genetics (formerly Invitae), Labcorp); PubMed 16683254 (cited by Labcorp Genetics (formerly Invitae), Labcorp).